The following is an entry in ClinVar:

NM_032043.3(BRIP1):c.1141-5T>G

Gene: BRIP1 (BRCA1 interacting DNA helicase 1; minus strand). Cytogenetic location: 17q23.2.
Variant type: single nucleotide variant.
Coding change: c.1141-5T>G on transcript NM_032043.3 (MANE Select); 5 bases into the intron before coding-DNA position 1141, T replaced by G.
Molecular consequence: intron variant.
Genome position (GRCh38, 1-based): chr17:61,799,304, A>C on the plus strand (T>G on the coding strand, the complement: BRIP1 is on the minus strand). VCF-style: chr17-61799304-A-C. GRCh37 (hg19) VCF-style: chr17-59876665-A-C.
Identifiers: ClinVar variation 4786661 (VCV004786661.1).

ClinVar aggregate classification (germline): Uncertain significance (1 of 4 stars; one submission).

Conditions:
Fanconi anemia complementation group J. Also called: BRIP1-Related Fanconi Anemia. Identifiers: Orphanet 84, MedGen C1836860, MONDO:0012187, OMIM 609054.
Familial cancer of breast. Also called: BREAST CANCER, FAMILIAL; Hereditary breast cancer; hereditary breast carcinoma. Identifiers: Orphanet 227535, MedGen C0346153, MONDO:0016419, OMIM 114480. Disease mechanism: loss of function.

Submission:

Labcorp Genetics (formerly Invitae), Labcorp
Classification: Uncertain significance for Familial cancer of breast; Fanconi anemia complementation group J. Last evaluated: 2025-11-10. Review status: criteria provided, single submitter. Criteria: Invitae Variant Classification Sherloc (09022015). Collection method: clinical testing. Allele origin: germline.
Comment: This sequence change falls in intron 8 of the BRIP1 gene. It does not directly change the encoded amino acid sequence of the BRIP1 protein. This variant is not present in population databases (gnomAD no frequency). This variant has not been reported in the literature in individuals affected with BRIP1-related conditions. Algorithms developed to predict the effect of sequence changes on RNA splicing suggest that this variant may disrupt the consensus splice site. In summary, the available evidence is currently insufficient to determine the role of this variant in disease. Therefore, it has been classified as a Variant of Uncertain Significance.